The following is an entry in ClinVar:

NM_020919.4(ALS2):c.4958G>A (p.Arg1653His)

Gene: ALS2 (alsin Rho guanine nucleotide exchange factor ALS2; minus strand). Cytogenetic location: 2q33.1.
Variant type: single nucleotide variant.
Coding change: c.4958G>A on transcript NM_020919.4 (MANE Select); coding-DNA position 4958, G replaced by A.
Protein change: p.Arg1653His; replaces arginine 1653 with histidine.
Molecular consequence: missense variant.
Genome position (GRCh38, 1-based): chr2:201,701,867, C>T on the plus strand (G>A on the coding strand, the complement: ALS2 is on the minus strand). VCF-style: chr2-201701867-C-T. GRCh37 (hg19) VCF-style: chr2-202566590-C-T.
Other names: short protein forms R1653H.
Identifiers: ClinVar variation 333583 (VCV000333583.9), dbSNP rs190606035, ClinGen allele CA2057443.

ClinVar aggregate classification (germline): Uncertain significance. Review status: criteria provided, multiple submitters, no conflicts (2 of 4 stars). 4 submissions from 3 submitters: Uncertain significance (4). Last evaluated 2024-11-01.

Conditions:
Inborn genetic diseases. Identifiers: MedGen C0950123, MeSH D030342.
ALS2-related disorder. Also called: ALS2-related condition; ALS2-related disorders; ALS2-Related Spectrum Disorders. Identifiers: MedGen CN169291.
Amyotrophic lateral sclerosis type 2, juvenile. Also called: ALS, JUVENILE; Amyotrophic lateral sclerosis type 2. Identifiers: Orphanet 300605, MedGen C1859807, MONDO:0008780, OMIM 205100.
Infantile-onset ascending hereditary spastic paralysis (IAHSP). Also called: Infantile-Onset Ascending Hereditary Spastic Paralysis (IAHSP); Autosomal Recessive Juvenile Amyotrophic Lateral Sclerosis. Identifiers: Orphanet 293168, MedGen C2931441, MONDO:0011797, OMIM 607225. Disease mechanism: loss of function.

Allele frequency attached by ClinVar (database versions not stated): gnomAD 0.00004 and 0.00007; gnomAD exomes 0.00004 and 0.00008; TOPMed 0.00005; ExAC 0.00012; 1000 Genomes Project 0.00060; 1000 Genomes Project 30x 0.00062.
gnomAD v4.1: 64 of 1,613,730 alleles (0.004%); highest among the groups gnomAD compares: East Asian, 0.038%; no homozygotes.

Submissions (4):

Labcorp Genetics (formerly Invitae), Labcorp
Classification: Uncertain significance for Infantile-onset ascending hereditary spastic paralysis. Last evaluated: 2024-11-01. Review status: criteria provided, single submitter. Criteria: Invitae Variant Classification Sherloc (09022015). Collection method: clinical testing. Allele origin: germline.
Comment: This sequence change replaces arginine, which is basic and polar, with histidine, which is basic and polar, at codon 1653 of the ALS2 protein (p.Arg1653His). This variant is present in population databases (rs190606035, gnomAD 0.05%). This variant has not been reported in the literature in individuals affected with ALS2-related conditions. ClinVar contains an entry for this variant (Variation ID: 333583). Invitae Evidence Modeling of protein sequence and biophysical properties (such as structural, functional, and spatial information, amino acid conservation, physicochemical variation, residue mobility, and thermodynamic stability) indicates that this missense variant is not expected to disrupt ALS2 protein function with a negative predictive value of 80%. In summary, the available evidence is currently insufficient to determine the role of this variant in disease. Therefore, it has been classified as a Variant of Uncertain Significance.

Ambry Genetics
Classification: Uncertain significance for Inborn genetic diseases. Last evaluated: 2024-10-30. Review status: criteria provided, single submitter. Criteria: Ambry Variant Classification Scheme 2023. Collection method: clinical testing. Allele origin: germline.

Illumina Laboratory Services, Illumina
Classification: Uncertain significance for Amyotrophic lateral sclerosis type 2. Last evaluated: 2018-01-13. Review status: criteria provided, single submitter. Criteria: ICSL Variant Classification Criteria 13 December 2019. Collection method: clinical testing. Allele origin: germline.

Illumina Laboratory Services, Illumina
Classification: Uncertain significance for ALS2-Related Disorders. Last evaluated: 2018-01-13. Review status: criteria provided, single submitter. Criteria: ICSL Variant Classification Criteria 13 December 2019. Collection method: clinical testing. Allele origin: germline.